The following is an entry in ClinVar:

NM_000478.6(ALPL):c.1024_1025delinsTT (p.Glu342Leu)

Gene: ALPL (alkaline phosphatase, biomineralization associated; plus strand). Cytogenetic location: 1p36.12.
Variant type: Indel.
Coding change: c.1024_1025delinsTT on transcript NM_000478.6 (MANE Select); coding-DNA positions 1024 to 1025, GA replaced by TT.
Protein change: p.Glu342Leu; replaces glutamic acid 342 with leucine.
Molecular consequence: missense variant.
Genome position (GRCh38, 1-based): chr1:21,575,759-21,575,760, GA replaced by TT. VCF-style: chr1-21575759-GA-TT. GRCh37 (hg19) VCF-style: chr1-21902252-GA-TT.
Other names: c.859_860delinsTT, p.Glu287Leu (NM_001127501.4); c.793_794delinsTT, p.Glu265Leu (NM_001177520.3); c.1024_1025delinsTT, p.Glu342Leu (NM_001369803.2, NM_001369804.2, NM_001369805.2); c.1024_1025delGAinsTT (NM_000478.6); short protein forms E265L, E287L, E342L.
Identifiers: ClinVar variation 3776305 (VCV003776305.5).

ClinVar aggregate classification (germline): Likely pathogenic. Review status: criteria provided, multiple submitters, no conflicts (2 of 4 stars). 2 submissions from 2 submitters: Likely pathogenic (2). Last evaluated 2026-09-01.

Conditions:
Hypophosphatasia. Also called: Phosphoethanol-aminuria. Identifiers: Orphanet 436, MedGen C0020630, MeSH D007014, MONDO:0018570.

Submissions (2):

Genomenon, Inc
Classification: Likely pathogenic for Hypophosphatasia. Last evaluated: 2026-09-01. Review status: criteria provided, single submitter. Criteria: Genomenon Sequence Variant Interpretation Standards - Updated. Collection method: curation. Allele origin: germline. Affected: yes.
Comment: ALPL p.Glu342Leu (c.1024_1025delinsTT) is a deletion-insertion variant that changes the amino acid at codon 342 from Glutamic acid to Leucine. This variant has been observed in at least one proband affected with an ALPL-related disorder (PMID:38884565). The variant was found to segregate with disease in at least one affected family (PMID:38884565). It is absent or not present at a significant frequency in gnomAD. In silico models predict that this variant is possibly or probably damaging. In conclusion, we classify ALPL p.Glu342Leu (c.1024_1025delinsTT) as a likely pathogenic variant.

JKU Lab, Dept of Paediatrics, Johannes Kepler University
Classification: Likely pathogenic for Hypophosphatasia. Last evaluated: 2025-02-27. Review status: criteria provided, single submitter. Criteria: ACMG Guidelines, 2015. Collection method: curation, in vitro. Allele origin: germline, not applicable. Affected: yes. Functional consequence: decreased enzyme activity.
Comment: This indel variant is not present in GnomAD 4.0 and affects a highly conserved amino acid in proximity of the active site domain. Splice-prediction algorithms predict an acceptor gain: 0.64. In vitro functional studies showed reduced ALP activity, with a dominant negative effect. This variant has been reported in the literature in individuals affected with ALPL-related conditions (PMID:38884565). The results of the functional testing and the applied ACMG criteria can be viewed at an online resource

Literature cited by the submitters: PubMed 38884565 (cited by Genomenon, Inc and JKU Lab, Dept of Paediatrics, Johannes Kepler University).